The following is an entry in ClinVar:

ClinVar aggregate classification (germline): Uncertain significance (1 of 4 stars; one submission).

Conditions:
Fanconi anemia complementation group U. Identifiers: MedGen C4310651, MONDO:0014987, OMIM 617247.

Submission:

Laboratorio de Genetica e Diagnostico Molecular, Hospital Israelita Albert Einstein
Classification: Uncertain significance for Fanconi anemia complementation group U. Last evaluated: 2022-03-31. Review status: criteria provided, single submitter. Criteria: ACMG Guidelines, 2015. Collection method: clinical testing. Allele origin: germline. Affected: yes. Observed: 1 variant allele.
Comment: ACMG classification criteria: PM2 moderated, PM4

NM_005431.2(XRCC2):c.756_758del (p.Gln252_Phe253delinsHis)

Gene: XRCC2 (X-ray repair cross complementing 2; minus strand). Cytogenetic location: 7q36.1.
Variant type: Deletion.
Coding change: c.756_758del on transcript NM_005431.2 (MANE Select); coding-DNA positions 756 to 758, 3 bases deleted (ATT; older notation c.756_758delATT).
Protein change: p.Gln252_Phe253delinsHis.
Molecular consequence: inframe indel.
Genome position (GRCh38, 1-based): chr7:152,648,727-152,648,729, AAT deleted on the plus strand (ATT on the coding strand, the reverse complement: XRCC2 is on the minus strand). VCF-style (leftmost placement, unchanged base first): chr7-152648726-AAAT-A. GRCh37 (hg19) VCF-style: chr7-152345811-AAAT-A.
Identifiers: ClinVar variation 2431667 (VCV002431667.1), dbSNP rs2485880314, ClinGen allele CA2580077736.